The following is an entry in ClinVar:

NM_000238.4(KCNH2):c.376A>T (p.Ile126Phe)

Gene: KCNH2 (potassium voltage-gated channel subfamily H member 2; minus strand). Cytogenetic location: 7q36.1.
Variant type: single nucleotide variant.
Coding change: c.376A>T on transcript NM_000238.4 (MANE Select); coding-DNA position 376, A replaced by T.
Protein change: p.Ile126Phe; replaces isoleucine 126 with phenylalanine.
Molecular consequence: missense variant.
Genome position (GRCh38, 1-based): chr7:150,959,668, T>A on the plus strand (A>T on the coding strand, the complement: KCNH2 is on the minus strand). VCF-style: chr7-150959668-T-A. GRCh37 (hg19) VCF-style: chr7-150656756-T-A.
Other names: c.88A>T, p.Ile30Phe (NM_001406753.1, NM_001406756.1); c.199A>T, p.Ile67Phe (NM_001406755.1); c.76A>T, p.Ile26Phe (NM_001406757.1); c.376A>T, p.Ile126Phe (NM_172056.3); short protein forms I30F, I67F, I126F, I26F.
Identifiers: ClinVar variation 2088616 (VCV002088616.4), dbSNP rs2486101062, ClinGen allele CA369863787.

ClinVar aggregate classification (germline): Uncertain significance (1 of 4 stars; one submission).

Conditions:
Long QT syndrome (LQTS). Identifiers: MedGen C0023976, MeSH D008133, MONDO:0002442. Disease mechanism: loss of function. Inheritance: Various modes of inheritance.

Submission:

Labcorp Genetics (formerly Invitae), Labcorp
Classification: Uncertain significance for Long QT syndrome. Last evaluated: 2022-01-21. Review status: criteria provided, single submitter. Criteria: Invitae Variant Classification Sherloc (09022015). Collection method: clinical testing. Allele origin: germline.
Comment: This sequence change replaces isoleucine, which is neutral and non-polar, with phenylalanine, which is neutral and non-polar, at codon 126 of the KCNH2 protein (p.Ile126Phe). This variant is not present in population databases (gnomAD no frequency). This variant has not been reported in the literature in individuals affected with KCNH2-related conditions. Algorithms developed to predict the effect of missense changes on protein structure and function are either unavailable or do not agree on the potential impact of this missense change (SIFT: "Tolerated"; PolyPhen-2: "Possibly Damaging"; Align-GVGD: "Class C0"). In summary, the available evidence is currently insufficient to determine the role of this variant in disease. Therefore, it has been classified as a Variant of Uncertain Significance.